The following is an entry in ClinVar:

ClinVar aggregate classification (germline): Likely benign. Review status: criteria provided, multiple submitters, no conflicts (2 of 4 stars). 2 submissions from 2 submitters: Likely benign (2). Last evaluated 2018-01-13.

Conditions:
Retinitis pigmentosa (RP). Identifiers: Orphanet 791, MedGen C0035334, MeSH D012174, MONDO:0019200, OMIM 268000. Inheritance: Autosomal dominant, autosomal recessive and X linked inheritance.

Allele frequency attached by ClinVar (database versions not stated): gnomAD exomes 0.00072; ExAC 0.00113; 1000 Genomes Project 0.00132; gnomAD 0.00165 and 0.00175; ESP Exome Variant Server 0.00169; 1000 Genomes Project 30x 0.00187; TOPMed 0.00202.
gnomAD v4.1: 598 of 1,132,046 alleles (0.053%); highest among the groups gnomAD compares: African/African-American, 0.58%; 3 homozygotes.

Submissions (2):

Illumina Laboratory Services, Illumina
Classification: Likely benign for Retinitis pigmentosa. Last evaluated: 2018-01-13. Review status: criteria provided, single submitter. Criteria: ICSL Variant Classification Criteria 13 December 2019. Collection method: clinical testing. Allele origin: germline.
Comment: This variant was observed in the ICSL laboratory as part of a predisposition screen in an ostensibly healthy population. It had not been previously curated by ICSL or reported in the Human Gene Mutation Database (HGMD: prior to June 1st, 2018), and was therefore a candidate for classification through an automated scoring system. Utilizing variant allele frequency, disease prevalence and penetrance estimates, and inheritance mode, an automated score was calculated to assess if this variant is too frequent to cause the disease. Based on the score and internal cut-off values, a variant classified as likely benign is not then subjected to further curation. The score for this variant resulted in a classification of likely benign for this disease.

Breakthrough Genomics
Classification: Likely benign. Review status: criteria provided, single submitter. Criteria: ACMG Guidelines, 2015. Collection method: not provided. Allele origin: germline. Inheritance: X-linked inheritance. Affected: yes.

NM_006915.3(RP2):c.-44G>C

Genes: RP2 (RP2 activator of ARL3 GTPase; plus strand), LOC130068202 (ATAC-STARR-seq lymphoblastoid active region 29577; plus strand). Cytogenetic location: Xp11.3.
Variant type: single nucleotide variant.
Coding change: c.-44G>C on transcript NM_006915.3 (MANE Select); 44 bases upstream of the start codon, G replaced by C.
Molecular consequence: 5 prime UTR variant.
Genome position (GRCh38, 1-based): chrX:46,837,057, G>C. VCF-style: chrX-46837057-G-C. GRCh37 (hg19) VCF-style: chrX-46696492-G-C.
Identifiers: ClinVar variation 368304 (VCV000368304.6), dbSNP rs186256592, ClinGen allele CA10394155.